The following is an entry in ClinVar:

NM_003128.3(SPTBN1):c.3514C>T (p.Gln1172Ter)

Gene: SPTBN1 (spectrin beta, non-erythrocytic 1; plus strand). Cytogenetic location: 2p16.2.
Variant type: single nucleotide variant.
Coding change: c.3514C>T on transcript NM_003128.3 (MANE Select); coding-DNA position 3514, C replaced by T.
Protein change: p.Gln1172Ter; replaces glutamine 1172 with a stop codon.
Molecular consequence: nonsense.
Genome position (GRCh38, 1-based): chr2:54,631,561, C>T. VCF-style: chr2-54631561-C-T. GRCh37 (hg19) VCF-style: chr2-54858698-C-T.
Other names: c.3475C>T, p.Gln1159Ter (NM_178313.3); short protein forms Q1172*, Q1159*.
Identifiers: ClinVar variation 4891543 (VCV004891543.1).
Genomic context (GRCh38, chr2:54,631,561, plus strand): 5'-AACGAGCTCCACAAGATGTGGGAGAACAGACAAAATCTCCTATCCCAGTCACATGCCTAC[C>T]AGCAGTTCCTCAGAGACACGAAGCAAGCCGAAGCCTTTCTTAACAACCAGGTAAGGTTTG-3'

ClinVar aggregate classification (germline): Likely pathogenic (1 of 4 stars; one submission).

Conditions:
Developmental delay, impaired speech, and behavioral abnormalities. Identifiers: MedGen C5561957, MONDO:0859178, OMIM 619475.

Submission:

Clinical Genetics Laboratory, University Hospital Schleswig-Holstein
Classification: Likely pathogenic for Developmental delay, impaired speech, and behavioral abnormalities. Last evaluated: 2025-12-15. Review status: criteria provided, single submitter. Criteria: ACMG Guidelines, 2015. Collection method: clinical testing. Allele origin: maternal. Affected: yes. Observed: 1 heterozygote.
Comment: ACMG criteria applied: PM2, PVS1, BS4_Supporting